The following is an entry in ClinVar:

ClinVar aggregate classification (germline): Uncertain significance (1 of 4 stars; one submission).

Conditions:
Arthrogryposis multiplex congenita 3, myogenic type. Also called: ARTHROGRYPOSIS MULTIPLEX CONGENITA, MYOGENIC TYPE. Identifiers: MedGen C5193121, MONDO:0032778, OMIM 618484.

Allele frequency attached by ClinVar (database versions not stated): gnomAD exomes below 0.00001.
gnomAD v4.1: 1 of 1,613,784 alleles (0.000062%); highest among the groups gnomAD compares: East Asian, 0.0022%; no homozygotes.

Submission:

Neuberg Centre For Genomic Medicine, NCGM
Classification: Uncertain significance for Arthrogryposis multiplex congenita 3, myogenic type. Review status: criteria provided, single submitter. Criteria: ACMG Guidelines, 2015. Collection method: clinical testing. Allele origin: germline. Inheritance: Autosomal recessive inheritance. Affected: yes.
Comment: The missense variant in c.4807G>A(p.Glu1603Lys) in SYNE1 gene has not been reported previously as a pathogenic variant nor as a benign variant, to our knowledge. The p.Glu1603Lys variant is novel (not in any individuals) in gnomAD Exomes and 1000 Genomes. This variant has not been reported to the ClinVar database. The amino acid Glu at position 1603 is changed to a Lys changing protein sequence and it might alter its composition and physico-chemical properties. For these reasons, this variant has been classified as Uncertain Significance (VUS).

NM_182961.4(SYNE1):c.4807G>A (p.Glu1603Lys)

Gene: SYNE1 (spectrin repeat containing nuclear envelope protein 1; minus strand). Cytogenetic location: 6q25.2.
Variant type: single nucleotide variant.
Coding change: c.4807G>A on transcript NM_182961.4 (MANE Select); coding-DNA position 4807, G replaced by A.
Protein change: p.Glu1603Lys; replaces glutamic acid 1603 with lysine.
Molecular consequence: missense variant.
Genome position (GRCh38, 1-based): chr6:152,428,374, C>T on the plus strand (G>A on the coding strand, the complement: SYNE1 is on the minus strand). VCF-style: chr6-152428374-C-T. GRCh37 (hg19) VCF-style: chr6-152749509-C-T.
Other names: c.4828G>A, p.Glu1610Lys (NM_033071.5); short protein forms E1610K, E1603K.
Identifiers: ClinVar variation 2585099 (VCV002585099.1), dbSNP rs2498530199, ClinGen allele CA366140793.